The following is an entry in ClinVar:

NM_004667.6(HERC2):c.12923del (p.Cys4308fs)

Gene: HERC2 (HECT and RLD domain containing E3 ubiquitin protein ligase 2; minus strand). Cytogenetic location: 15q13.1.
Variant type: Deletion.
Coding change: c.12923del on transcript NM_004667.6 (MANE Select); coding-DNA position 12923, one base deleted (G; older notation c.12923delG).
Protein change: p.Cys4308fs; shifts the reading frame from cysteine 4308.
Molecular consequence: frameshift variant.
Genome position (GRCh38, 1-based): chr15:28,125,073, C deleted on the plus strand (G on the coding strand, the reverse complement: HERC2 is on the minus strand). VCF-style (leftmost placement, unchanged base first): chr15-28125072-AC-A. GRCh37 (hg19) VCF-style: chr15-28370218-AC-A.
Other names: short protein forms C4308fs.
Identifiers: ClinVar variation 3383163 (VCV003383163.2).

ClinVar aggregate classification (germline): Likely pathogenic (1 of 4 stars; one submission).

Conditions:
Developmental delay with autism spectrum disorder and gait instability (MRT38). Also called: Intellectual developmental disorder, autosomal recessive 38. Identifiers: Orphanet 329195, MedGen C3809753, MONDO:0014224, OMIM 615516.

Submission:

Juno Genomics, Hangzhou Juno Genomics, Inc
Classification: Likely pathogenic for Developmental delay with autism spectrum disorder and gait instability. Review status: criteria provided, single submitter. Criteria: ACMG Guidelines, 2015. Collection method: clinical testing. Allele origin: germline. Affected: yes.
Comment: Absent from controls (or at extremely low frequency if recessive) in Genome Aggregation Database, Exome Sequencing Project, 1000 Genomes Project, or Exome Aggregation Consortium.;Null variant in a gene where loss of function (LOF) is a known mechanism of disease.